The following is an entry in ClinVar:

ClinVar aggregate classification (germline): Conflicting classifications of pathogenicity. Review status: criteria provided, conflicting classifications (1 of 4 stars). 3 submissions from 3 submitters: Uncertain significance (2); Likely benign (1). Last evaluated 2026-02-06.

Conditions:
Duchenne muscular dystrophy (DMD). Also called: MUSCULAR DYSTROPHY, PSEUDOHYPERTROPHIC PROGRESSIVE, DUCHENNE TYPE; Duchenne Muscular Dystrophy (DMD). Identifiers: Orphanet 98896, MedGen C0013264, MONDO:0010679, OMIM 310200.
Cardiovascular phenotype. Identifiers: MedGen CN230736.

Allele frequency attached by ClinVar (database versions not stated): TOPMed 0.00001; gnomAD 0.00004.
gnomAD v4.1: 5 of 1,208,600 alleles (0.00041%); highest among the groups gnomAD compares: African/African-American, 0.0088%; no homozygotes.

Submissions (3):

Ambry Genetics
Classification: Likely benign for Cardiovascular phenotype. Last evaluated: 2026-02-06. Review status: criteria provided, single submitter. Criteria: Ambry Variant Classification Scheme 2023. Collection method: clinical testing. Allele origin: germline.

Women's Health and Genetics/Laboratory Corporation of America, LabCorp
Classification: Uncertain significance. Last evaluated: 2025-10-18. Review status: criteria provided, single submitter. Criteria: LabCorp Variant Classification Summary - May 2015. Collection method: clinical testing. Allele origin: germline.

Labcorp Genetics (formerly Invitae), Labcorp
Classification: Uncertain significance for Duchenne muscular dystrophy. Last evaluated: 2025-09-02. Review status: criteria provided, single submitter. Criteria: Invitae Variant Classification Sherloc (09022015). Collection method: clinical testing. Allele origin: germline.
Comment: This sequence change replaces glutamine, which is neutral and polar, with lysine, which is basic and polar, at codon 803 of the DMD protein (p.Gln803Lys). This variant is not present in population databases (gnomAD no frequency). This variant has not been reported in the literature in individuals affected with DMD-related conditions. ClinVar contains an entry for this variant (Variation ID: 1790808). Invitae Evidence Modeling of protein sequence and biophysical properties (such as structural, functional, and spatial information, amino acid conservation, physicochemical variation, residue mobility, and thermodynamic stability) indicates that this missense variant is not expected to disrupt DMD protein function with a negative predictive value of 95%. In summary, the available evidence is currently insufficient to determine the role of this variant in disease. Therefore, it has been classified as a Variant of Uncertain Significance.

NM_004006.3(DMD):c.2407C>A (p.Gln803Lys)

Gene: DMD (dystrophin; minus strand). Cytogenetic location: Xp21.1.
Variant type: single nucleotide variant.
Coding change: c.2407C>A on transcript NM_004006.3 (MANE Select); coding-DNA position 2407, C replaced by A.
Protein change: p.Gln803Lys; replaces glutamine 803 with lysine.
Molecular consequence: missense variant.
Genome position (GRCh38, 1-based): chrX:32,491,492, G>T on the plus strand (C>A on the coding strand, the complement: DMD is on the minus strand). VCF-style: chrX-32491492-G-T. GRCh37 (hg19) VCF-style: chrX-32509609-G-T.
Other names: c.2383C>A, p.Gln795Lys (NM_000109.4); c.2395C>A, p.Gln799Lys (NM_004009.3); c.2038C>A, p.Gln680Lys (NM_004010.3); short protein forms Q680K, Q799K, Q803K, Q795K.
Identifiers: ClinVar variation 1790808 (VCV001790808.11), dbSNP rs863224986, ClinGen allele CA412672918.